The following is an entry in ClinVar:

NM_002336.3(LRP6):c.3616C>G (p.Pro1206Ala)

Gene: LRP6 (LDL receptor related protein 6; minus strand). Cytogenetic location: 12p13.2.
Variant type: single nucleotide variant.
Coding change: c.3616C>G on transcript NM_002336.3 (MANE Select); coding-DNA position 3616, C replaced by G.
Protein change: p.Pro1206Ala; replaces proline 1206 with alanine.
Molecular consequence: missense variant.
Genome position (GRCh38, 1-based): chr12:12,135,292, G>C on the plus strand (C>G on the coding strand, the complement: LRP6 is on the minus strand). VCF-style: chr12-12135292-G-C. GRCh37 (hg19) VCF-style: chr12-12288226-G-C.
Other names: p.Pro1206Ala; short protein forms P1206A.
Identifiers: ClinVar variation 1315722 (VCV001315722.5), dbSNP rs373983720, ClinGen allele CA6455142.

ClinVar aggregate classification (germline): Uncertain significance. Review status: criteria provided, multiple submitters, no conflicts (2 of 4 stars). 3 submissions from 3 submitters: Uncertain significance (3). Last evaluated 2025-11-17.

Allele frequency attached by ClinVar (database versions not stated): ESP Exome Variant Server 0.00008.
gnomAD v4.1: 92 of 1,613,450 alleles (0.0057%); highest among the groups gnomAD compares: Non-Finnish European, 0.007%; no homozygotes.

Submissions (3):

Labcorp Genetics (formerly Invitae), Labcorp
Classification: Uncertain significance. Last evaluated: 2025-11-17. Review status: criteria provided, single submitter. Criteria: Invitae Variant Classification Sherloc (09022015). Collection method: clinical testing. Allele origin: germline.
Comment: This sequence change replaces proline, which is neutral and non-polar, with alanine, which is neutral and non-polar, at codon 1206 of the LRP6 protein (p.Pro1206Ala). This variant is present in population databases (rs373983720, gnomAD 0.009%). This variant has not been reported in the literature in individuals affected with LRP6-related conditions. ClinVar contains an entry for this variant (Variation ID: 1315722). Invitae Evidence Modeling of protein sequence and biophysical properties (such as structural, functional, and spatial information, amino acid conservation, physicochemical variation, residue mobility, and thermodynamic stability) indicates that this missense variant is not expected to disrupt LRP6 protein function with a negative predictive value of 80%. In summary, the available evidence is currently insufficient to determine the role of this variant in disease. Therefore, it has been classified as a Variant of Uncertain Significance.

Mayo Clinic Laboratories, Mayo Clinic
Classification: Uncertain significance. Last evaluated: 2025-04-07. Review status: criteria provided, single submitter. Criteria: ACMG Guidelines, 2015. Collection method: clinical testing. Allele origin: germline. Observed: 1 variant allele.
Comment: PP3

GeneDx
Classification: Uncertain significance. Last evaluated: 2019-10-06. Review status: criteria provided, single submitter. Criteria: GeneDx Variant Classification Process June 2021. Collection method: clinical testing. Allele origin: germline. Affected: yes.
Comment: In silico analysis, which includes protein predictors and evolutionary conservation, supports a deleterious effect; Has not been previously published as pathogenic or benign to our knowledge

Literature cited by the submitters: PubMed 24427284 (cited by Mayo Clinic Laboratories, Mayo Clinic).